The following is an entry in ClinVar:

NM_000065.5(C6):c.1004C>A (p.Ser335Tyr)

Gene: C6 (complement C6; minus strand). Cytogenetic location: 5p13.1.
Variant type: single nucleotide variant.
Coding change: c.1004C>A on transcript NM_000065.5 (MANE Select); coding-DNA position 1004, C replaced by A.
Protein change: p.Ser335Tyr; replaces serine 335 with tyrosine.
Molecular consequence: missense variant.
Genome position (GRCh38, 1-based): chr5:41,176,639, G>T on the plus strand (C>A on the coding strand, the complement: C6 is on the minus strand). VCF-style: chr5-41176639-G-T. GRCh37 (hg19) VCF-style: chr5-41176741-G-T.
Other names: c.1004C>A, p.Ser335Tyr (NM_001115131.4); short protein forms S335Y.
Identifiers: ClinVar variation 2103317 (VCV002103317.4), dbSNP rs1580118132, ClinGen allele CA359600816.

ClinVar aggregate classification (germline): Uncertain significance (1 of 4 stars; one submission).

Allele frequency attached by ClinVar (database versions not stated): gnomAD exomes below 0.00001.
gnomAD v4.1: 1 of 1,613,832 alleles (0.000062%); highest among the groups gnomAD compares: Non-Finnish European, 0.000085%; no homozygotes.

Submission:

Labcorp Genetics (formerly Invitae), Labcorp
Classification: Uncertain significance. Last evaluated: 2022-04-16. Review status: criteria provided, single submitter. Criteria: Invitae Variant Classification Sherloc (09022015). Collection method: clinical testing. Allele origin: germline.
Comment: In summary, the available evidence is currently insufficient to determine the role of this variant in disease. Therefore, it has been classified as a Variant of Uncertain Significance. Algorithms developed to predict the effect of missense changes on protein structure and function are either unavailable or do not agree on the potential impact of this missense change (SIFT: "Deleterious"; PolyPhen-2: "Probably Damaging"; Align-GVGD: "Class C15"). This variant has not been reported in the literature in individuals affected with C6-related conditions. This variant is not present in population databases (gnomAD no frequency). This sequence change replaces serine, which is neutral and polar, with tyrosine, which is neutral and polar, at codon 335 of the C6 protein (p.Ser335Tyr).